The following is an entry in ClinVar:

ClinVar aggregate classification (germline): Benign/Likely benign. Review status: criteria provided, multiple submitters, no conflicts (2 of 4 stars). 2 submissions from 2 submitters: Benign (1); Likely benign (1). Last evaluated 2026-01-28.

Conditions:
Pontocerebellar hypoplasia type 9. Identifiers: Orphanet 369920, MedGen C4014354, MONDO:0014351, OMIM 615809.
Hereditary spastic paraplegia 63. Also called: Spastic paraplegia 63, autosomal recessive. Identifiers: Orphanet 401805, MedGen C3810295, MONDO:0014305, OMIM 615686.

Allele frequency attached by ClinVar (database versions not stated): gnomAD 0.00003 and 0.00017; TOPMed 0.00003; gnomAD exomes 0.00034 and 0.00074; 1000 Genomes Project 30x 0.00062; 1000 Genomes Project 0.00080; ExAC 0.00116.
gnomAD v4.1: 514 of 1,599,162 alleles (0.032%); highest among the groups gnomAD compares: South Asian, 0.5%; 8 homozygotes.

Submissions (2):

Labcorp Genetics (formerly Invitae), Labcorp
Classification: Benign for Pontocerebellar hypoplasia type 9; Hereditary spastic paraplegia 63. Last evaluated: 2026-01-28. Review status: criteria provided, single submitter. Criteria: Invitae Variant Classification Sherloc (09022015). Collection method: clinical testing. Allele origin: germline.

CeGaT Center for Human Genetics Tuebingen
Classification: Likely benign. Last evaluated: 2023-01-01. Review status: criteria provided, single submitter. Criteria: CeGaT Center For Human Genetics Tuebingen Variant Classification Criteria Version 2. Collection method: clinical testing. Allele origin: germline. Affected: yes. Observed: 1 variant allele.
Comment: AMPD2: BP4, BP7

NM_001368809.2(AMPD2):c.-52C>G

Gene: AMPD2 (adenosine monophosphate deaminase 2; plus strand). Cytogenetic location: 1p13.3.
Variant type: single nucleotide variant.
Coding change: c.-52C>G on transcript NM_001368809.2 (MANE Select); 52 bases upstream of the start codon, C replaced by G.
Molecular consequence: 5 prime UTR variant. On other transcripts: missense variant (1), intron variant (1).
Genome position (GRCh38, 1-based): chr1:109,621,124, C>G. VCF-style: chr1-109621124-C-G. GRCh37 (hg19) VCF-style: chr1-110163746-C-G.
Other names: c.17C>G, p.Ala6Gly (NM_001308170.1); c.10+846C>G (NM_139156.4); c.111C>G (NM_001257360.1); short protein forms A6G.
Identifiers: ClinVar variation 706956 (VCV000706956.32), dbSNP rs570541266, ClinGen allele CA992592.